The following is an entry in ClinVar:

ClinVar aggregate classification (germline): Uncertain significance. Review status: criteria provided, multiple submitters, no conflicts (2 of 4 stars). 2 submissions from 2 submitters: Uncertain significance (2). Last evaluated 2024-09-01.

Conditions:
Inborn genetic diseases. Identifiers: MedGen C0950123, MeSH D030342.

Allele frequency attached by ClinVar (database versions not stated): gnomAD exomes below 0.00001.
gnomAD v4.1: 1 of 1,610,856 alleles (0.000062%); highest among the groups gnomAD compares: East Asian, 0.0022%; no homozygotes.

Submissions (2):

Ambry Genetics
Classification: Uncertain significance for Inborn genetic diseases. Last evaluated: 2024-09-01. Review status: criteria provided, single submitter. Criteria: Ambry Variant Classification Scheme 2023. Collection method: clinical testing. Allele origin: germline.

Labcorp Genetics (formerly Invitae), Labcorp
Classification: Uncertain significance. Last evaluated: 2022-12-13. Review status: criteria provided, single submitter. Criteria: Invitae Variant Classification Sherloc (09022015). Collection method: clinical testing. Allele origin: germline.
Comment: In summary, the available evidence is currently insufficient to determine the role of this variant in disease. Therefore, it has been classified as a Variant of Uncertain Significance. Advanced modeling of protein sequence and biophysical properties (such as structural, functional, and spatial information, amino acid conservation, physicochemical variation, residue mobility, and thermodynamic stability) performed at Invitae indicates that this missense variant is not expected to disrupt ATP6V1A protein function. This variant has not been reported in the literature in individuals affected with ATP6V1A-related conditions. This variant is present in population databases (no rsID available, gnomAD 0.006%). This sequence change replaces lysine, which is basic and polar, with arginine, which is basic and polar, at codon 202 of the ATP6V1A protein (p.Lys202Arg).

NM_001690.4(ATP6V1A):c.605A>G (p.Lys202Arg)

Gene: ATP6V1A (ATPase H+ transporting V1 subunit A; plus strand). Cytogenetic location: 3q13.31.
Variant type: single nucleotide variant.
Coding change: c.605A>G on transcript NM_001690.4 (MANE Select); coding-DNA position 605, A replaced by G.
Protein change: p.Lys202Arg; replaces lysine 202 with arginine.
Molecular consequence: missense variant.
Genome position (GRCh38, 1-based): chr3:113,786,272, A>G. VCF-style: chr3-113786272-A-G. GRCh37 (hg19) VCF-style: chr3-113505119-A-G.
Other names: c.605A>G (NM_001690.3); short protein forms K202R.
Identifiers: ClinVar variation 3004116 (VCV003004116.4), dbSNP rs1161763483, ClinGen allele CA354010638.